The following is an entry in ClinVar:

ClinVar aggregate classification (germline): Uncertain significance (1 of 4 stars; one submission).

Conditions:
Hereditary diffuse gastric adenocarcinoma (HDGC). Also called: DIFFUSE GASTRIC AND LOBULAR BREAST CANCER SYNDROME. Identifiers: Orphanet 26106, MedGen C1708349, MONDO:0007648, OMIM 137215.

Submission:

Labcorp Genetics (formerly Invitae), Labcorp
Classification: Uncertain significance for Hereditary diffuse gastric adenocarcinoma. Last evaluated: 2023-06-01. Review status: criteria provided, single submitter. Criteria: Invitae Variant Classification Sherloc (09022015). Collection method: clinical testing. Allele origin: germline.
Comment: In summary, the available evidence is currently insufficient to determine the role of this variant in disease. Therefore, it has been classified as a Variant of Uncertain Significance. An algorithm developed to predict the effect of missense changes on protein structure and function (PolyPhen-2) suggests that this variant is likely to be disruptive. This variant has not been reported in the literature in individuals affected with CDH1-related conditions. This variant is not present in population databases (gnomAD no frequency). This sequence change replaces alanine, which is neutral and non-polar, with threonine, which is neutral and polar, at codon 817 of the CDH1 protein (p.Ala817Thr).

NM_004360.5(CDH1):c.2449G>A (p.Ala817Thr)

Gene: CDH1 (cadherin 1; plus strand). Cytogenetic location: 16q22.1.
Variant type: single nucleotide variant.
Coding change: c.2449G>A on transcript NM_004360.5 (MANE Select); coding-DNA position 2449, G replaced by A.
Protein change: p.Ala817Thr; replaces alanine 817 with threonine.
Molecular consequence: missense variant.
Genome position (GRCh38, 1-based): chr16:68,833,299, G>A. VCF-style: chr16-68833299-G-A. GRCh37 (hg19) VCF-style: chr16-68867202-G-A.
Other names: c.2266G>A, p.Ala756Thr (NM_001317184.2); c.901G>A, p.Ala301Thr (NM_001317185.2); c.484G>A, p.Ala162Thr (NM_001317186.2); short protein forms A162T, A756T, A301T, A817T.
Identifiers: ClinVar variation 2866556 (VCV002866556.3), dbSNP rs2152143844, ClinGen allele CA396471968.